The following is an entry in ClinVar:

NM_016006.6(ABHD5):c.1006G>T (p.Glu336Ter)

Gene: ABHD5 (abhydrolase domain containing 5, lysophosphatidic acid acyltransferase; plus strand). Cytogenetic location: 3p21.33.
Variant type: single nucleotide variant.
Coding change: c.1006G>T on transcript NM_016006.6 (MANE Select); coding-DNA position 1006, G replaced by T.
Protein change: p.Glu336Ter; replaces glutamic acid 336 with a stop codon.
Molecular consequence: nonsense. On other transcripts: missense variant (1), non-coding transcript variant (1).
Genome position (GRCh38, 1-based): chr3:43,718,488, G>T. VCF-style: chr3-43718488-G-T. GRCh37 (hg19) VCF-style: chr3-43759980-G-T.
Other names: c.1006G>T, p.Glu336Ter (NM_001355186.2); c.883G>T, p.Glu295Ter (NM_001365649.1); c.819G>T, p.Lys273Asn (NM_001365650.1); short protein forms E295*, E336*, K273N.
Identifiers: ClinVar variation 1693338 (VCV001693338.15), dbSNP rs762662276, ClinGen allele CA2341525.

ClinVar aggregate classification (germline): Pathogenic/Likely pathogenic. Review status: criteria provided, multiple submitters, no conflicts (2 of 4 stars). 5 submissions from 5 submitters: Pathogenic (4); Likely pathogenic (1). Last evaluated 2024-01-08.

Conditions:
ABHD5-related disorder. Also called: ABHD5-related condition.
Triglyceride storage disease with ichthyosis (CDS). Also called: ICHTHYOSIFORM ERYTHRODERMA WITH LEUKOCYTE VACUOLATION; TRIGLYCERIDE STORAGE DISEASE WITH IMPAIRED LONG-CHAIN FATTY ACID OXIDATION; Dorfman-Chanarin disease; Chanarin-Dorfman Syndrome. Identifiers: Orphanet 98907, MedGen C0268238, MONDO:0010155, OMIM 275630.

Allele frequency attached by ClinVar (database versions not stated): ExAC 0.00001.
gnomAD v4.1: 1 of 1,614,018 alleles (0.000062%); highest among the groups gnomAD compares: Non-Finnish European, 0.000085%; no homozygotes.

Submissions (5):

Institute of Human Genetics Munich, TUM University Hospital
Classification: Pathogenic for Triglyceride storage disease with ichthyosis. Last evaluated: 2024-01-08. Review status: criteria provided, single submitter. Criteria: Classification criteria August 2017. Collection method: clinical testing. Allele origin: inherited. Inheritance: Autosomal recessive inheritance. Affected: yes. Observed: 1 variant allele.

Blueprint Genetics
Classification: Pathogenic for ABHD5-related disorders. Last evaluated: 2023-10-13. Review status: criteria provided, single submitter. Criteria: ACMG Guidelines, 2015. Collection method: clinical testing. Allele origin: germline. Affected: yes. Observed: 5 variant alleles.

Labcorp Genetics (formerly Invitae), Labcorp
Classification: Pathogenic. Last evaluated: 2022-10-09. Review status: criteria provided, single submitter. Criteria: Invitae Variant Classification Sherloc (09022015). Collection method: clinical testing. Allele origin: germline.
Comment: For these reasons, this variant has been classified as Pathogenic. ClinVar contains an entry for this variant (Variation ID: 1693338). This premature translational stop signal has been observed in individual(s) with Chanarin-Dorfman syndrome (PMID: 22373837). It has also been observed to segregate with disease in related individuals. This variant is present in population databases (rs762662276, gnomAD 0.0009%). This sequence change creates a premature translational stop signal (p.Glu336*) in the ABHD5 gene. While this is not anticipated to result in nonsense mediated decay, it is expected to disrupt the last 14 amino acid(s) of the ABHD5 protein.

GeneDx
Classification: Likely pathogenic. Last evaluated: 2021-12-28. Review status: criteria provided, single submitter. Criteria: GeneDx Variant Classification Process June 2021. Collection method: clinical testing. Allele origin: germline. Affected: yes.
Comment: Nonsense variant in the C-terminus predicted to result in protein truncation, as the last 14 amino acids are lost, and other loss-of-function variants have been reported in HGMD; Not observed at significant frequency in large population cohorts (gnomAD); This variant is associated with the following publications: (PMID: 22373837)

Genetics and Molecular Pathology, SA Pathology
Classification: Pathogenic for Triglyceride storage disease with ichthyosis. Last evaluated: 2021-09-24. Review status: criteria provided, single submitter. Criteria: ACMG Guidelines, 2015. Collection method: clinical testing. Allele origin: germline. Inheritance: Autosomal recessive inheritance. Affected: yes.

Literature cited by the submitters: PubMed 22373837 (cited by Labcorp Genetics (formerly Invitae), Labcorp).